The following is an entry in ClinVar:

NM_152383.5(DIS3L2):c.1189A>C (p.Lys397Gln)

Gene: DIS3L2 (DIS3 like 3'-5' exoribonuclease 2; plus strand). Cytogenetic location: 2q37.1.
Variant type: single nucleotide variant.
Coding change: c.1189A>C on transcript NM_152383.5 (MANE Select); coding-DNA position 1189, A replaced by C.
Protein change: p.Lys397Gln; replaces lysine 397 with glutamine.
Molecular consequence: missense variant. On other transcripts: non-coding transcript variant (2).
Genome position (GRCh38, 1-based): chr2:232,210,390, A>C. VCF-style: chr2-232210390-A-C. GRCh37 (hg19) VCF-style: chr2-233075100-A-C.
Other names: c.1189A>C, p.Lys397Gln (NM_001257281.2); short protein forms K397Q.
Identifiers: ClinVar variation 2001583 (VCV002001583.4), dbSNP rs2469982393, ClinGen allele CA351154107.

ClinVar aggregate classification (germline): Uncertain significance (1 of 4 stars; one submission).

Conditions:
Perlman syndrome (PRLMNS). Identifiers: Orphanet 2849, MedGen C0796113, MONDO:0009965, OMIM 267000.

Submission:

Labcorp Genetics (formerly Invitae), Labcorp
Classification: Uncertain significance for Perlman syndrome. Last evaluated: 2022-06-01. Review status: criteria provided, single submitter. Criteria: Invitae Variant Classification Sherloc (09022015). Collection method: clinical testing. Allele origin: germline.
Comment: In summary, the available evidence is currently insufficient to determine the role of this variant in disease. Therefore, it has been classified as a Variant of Uncertain Significance. Algorithms developed to predict the effect of missense changes on protein structure and function are either unavailable or do not agree on the potential impact of this missense change (SIFT: "Deleterious"; PolyPhen-2: "Benign"; Align-GVGD: "Class C0"). This variant has not been reported in the literature in individuals affected with DIS3L2-related conditions. This variant is not present in population databases (gnomAD no frequency). This sequence change replaces lysine, which is basic and polar, with glutamine, which is neutral and polar, at codon 397 of the DIS3L2 protein (p.Lys397Gln).